The following is an entry in ClinVar:

NM_001693.4(ATP6V1B2):c.488G>A (p.Arg163Gln)

Gene: ATP6V1B2 (ATPase H+ transporting V1 subunit B2; plus strand). Cytogenetic location: 8p21.3.
Variant type: single nucleotide variant.
Coding change: c.488G>A on transcript NM_001693.4 (MANE Select); coding-DNA position 488, G replaced by A.
Protein change: p.Arg163Gln; replaces arginine 163 with glutamine.
Molecular consequence: missense variant.
Genome position (GRCh38, 1-based): chr8:20,211,201, G>A. VCF-style: chr8-20211201-G-A. GRCh37 (hg19) VCF-style: chr8-20068712-G-A.
Other names: short protein forms R163Q.
Identifiers: ClinVar variation 3458964 (VCV003458964.2).
Genomic context (GRCh38, chr8:20,211,201, plus strand): 5'-AACTTGTTGAAATTTTCCTTTTTGGAAATACATTAGGTCAGCCAATCAACCCTCAATGTC[G>A]AATCTACCCAGAGGAAATGATTCAGACTGGCATTTCGGCCATCGATGGGATGAACAGTAT-3'
Protein context (NP_001684.2, residues 153-173): IMGQPINPQC[Arg163Gln]IYPEEMIQTG

ClinVar aggregate classification (germline): Likely pathogenic (1 of 4 stars; one submission).

Conditions:
Inborn genetic diseases. Identifiers: MedGen C0950123, MeSH D030342.

Submission:

Ambry Genetics
Classification: Likely pathogenic for Inborn genetic diseases. Last evaluated: 2025-01-09. Review status: criteria provided, single submitter. Criteria: Ambry Variant Classification Scheme 2023. Collection method: clinical testing. Allele origin: germline.
Comment: The c.488G>A (p.R163Q) alteration is located in exon 6 (coding exon 6) of the ATP6V1B2 gene. This alteration results from a G to A substitution at nucleotide position 488, causing the arginine (R) at amino acid position 163 to be replaced by a glutamine (Q). This variant was not reported in population-based cohorts in the Genome Aggregation Database (gnomAD). This amino acid position is highly conserved in available vertebrate species. This alteration is predicted to be deleterious by in silico analysis. Based on the available evidence, this alteration is classified as likely pathogenic.